The following is an entry in ClinVar:

NM_001006630.2(CHRM2):c.1031T>C (p.Val344Ala)

Genes: CHRM2 (cholinergic receptor muscarinic 2; plus strand), LOC349160 (uncharacterized LOC349160; minus strand). Cytogenetic location: 7q33.
Variant type: single nucleotide variant.
Coding change: c.1031T>C on transcript NM_001006630.2 (MANE Select); coding-DNA position 1031, T replaced by C.
Protein change: p.Val344Ala; replaces valine 344 with alanine.
Molecular consequence: missense variant.
Genome position (GRCh38, 1-based): chr7:137,015,896, T>C. VCF-style: chr7-137015896-T-C. GRCh37 (hg19) VCF-style: chr7-136700643-T-C.
Other names: c.1031T>C, p.Val344Ala (NM_000739.3, NM_001006626.3, NM_001006627.3 and 6 more transcripts); short protein forms V344A.
Identifiers: ClinVar variation 639588 (VCV000639588.8), dbSNP rs139037603, ClinGen allele CA4500609.

ClinVar aggregate classification (germline): Uncertain significance (1 of 4 stars; one submission).

gnomAD v4.1: 31 of 1,612,964 alleles (0.0019%); highest among the groups gnomAD compares: Non-Finnish European, 0.0025%; no homozygotes.

Submission:

Labcorp Genetics (formerly Invitae), Labcorp
Classification: Uncertain significance. Last evaluated: 2023-06-24. Review status: criteria provided, single submitter. Criteria: Invitae Variant Classification Sherloc (09022015). Collection method: clinical testing. Allele origin: germline.
Comment: This variant is present in population databases (rs139037603, gnomAD 0.0009%). This variant has not been reported in the literature in individuals affected with CHRM2-related conditions. ClinVar contains an entry for this variant (Variation ID: 639588). Algorithms developed to predict the effect of missense changes on protein structure and function output the following: SIFT: "Not Available"; PolyPhen-2: "Benign"; Align-GVGD: "Not Available". The alanine amino acid residue is found in multiple mammalian species, which suggests that this missense change does not adversely affect protein function. In summary, the available evidence is currently insufficient to determine the role of this variant in disease. Therefore, it has been classified as a Variant of Uncertain Significance. This sequence change replaces valine, which is neutral and non-polar, with alanine, which is neutral and non-polar, at codon 344 of the CHRM2 protein (p.Val344Ala).